The following is an entry in ClinVar:

NM_025132.4(WDR19):c.636T>G (p.Phe212Leu)

Gene: WDR19 (WD repeat domain 19; plus strand). Cytogenetic location: 4p14.
Variant type: single nucleotide variant.
Coding change: c.636T>G on transcript NM_025132.4 (MANE Select); coding-DNA position 636, T replaced by G.
Protein change: p.Phe212Leu; replaces phenylalanine 212 with leucine.
Molecular consequence: missense variant.
Genome position (GRCh38, 1-based): chr4:39,205,186, T>G. VCF-style: chr4-39205186-T-G. GRCh37 (hg19) VCF-style: chr4-39206806-T-G.
Other names: c.156T>G, p.Phe52Leu (NM_001317924.2); short protein forms F212L, F52L.
Identifiers: ClinVar variation 1022134 (VCV001022134.8), dbSNP rs1727819329, ClinGen allele CA356633823.
Genomic context (GRCh38, chr4:39,205,186, plus strand): 5'-TTCACAATCTCCTAATCTTTTCTGGCAGATAAGTGTGGTGCTTGGCAAGAAAACTTTGTT[T>G]TTTTTAAATCTGAATGAACCAGATAACCCAGCTGATCTTGAATTTCAGCAGGACTTTGGC-3'
Protein context (NP_079408.3, residues 202-222): ISVVLGKKTL[Phe212Leu]FLNLNEPDNP

ClinVar aggregate classification (germline): Uncertain significance (1 of 4 stars; one submission).

Conditions:
Asphyxiating thoracic dystrophy 5 (SRTD5). Also called: SHORT-RIB THORACIC DYSPLASIA 5 WITH OR WITHOUT POLYDACTYLY; SHORT-RIB THORACIC DYSPLASIA 5 WITHOUT POLYDACTYLY. Identifiers: Orphanet 474, MedGen C3280598, MONDO:0013717, OMIM 614376.
Senior-Loken syndrome 8 (SLSN8). Identifiers: Orphanet 3156, MedGen C4225376, MONDO:0014579, OMIM 616307.

Submission:

Labcorp Genetics (formerly Invitae), Labcorp
Classification: Uncertain significance for Senior-Loken syndrome 8; Asphyxiating thoracic dystrophy 5. Last evaluated: 2022-02-09. Review status: criteria provided, single submitter. Criteria: Invitae Variant Classification Sherloc (09022015). Collection method: clinical testing. Allele origin: germline.
Comment: In summary, the available evidence is currently insufficient to determine the role of this variant in disease. Therefore, it has been classified as a Variant of Uncertain Significance. Algorithms developed to predict the effect of missense changes on protein structure and function (SIFT, PolyPhen-2, Align-GVGD) all suggest that this variant is likely to be tolerated. ClinVar contains an entry for this variant (Variation ID: 1022134). This variant has not been reported in the literature in individuals affected with WDR19-related conditions. This variant is not present in population databases (gnomAD no frequency). This sequence change replaces phenylalanine, which is neutral and non-polar, with leucine, which is neutral and non-polar, at codon 212 of the WDR19 protein (p.Phe212Leu).